The following is an entry in ClinVar:

NM_007348.4(ATF6):c.364G>T (p.Asp122Tyr)

Gene: ATF6 (activating transcription factor 6; plus strand). Cytogenetic location: 1q23.3.
Variant type: single nucleotide variant.
Coding change: c.364G>T on transcript NM_007348.4 (MANE Select); coding-DNA position 364, G replaced by T.
Protein change: p.Asp122Tyr; replaces aspartic acid 122 with tyrosine.
Molecular consequence: missense variant.
Genome position (GRCh38, 1-based): chr1:161,791,417, G>T. VCF-style: chr1-161791417-G-T. GRCh37 (hg19) VCF-style: chr1-161761207-G-T.
Other names: c.364G>T, p.Asp122Tyr (NM_001410890.1); short protein forms D122Y.
Identifiers: ClinVar variation 1975704 (VCV001975704.2), dbSNP rs1221405888, ClinGen allele CA343385850.

ClinVar aggregate classification (germline): Uncertain significance (1 of 4 stars; one submission).

Allele frequency attached by ClinVar (database versions not stated): TOPMed below 0.00001; gnomAD exomes 0.00001.
gnomAD v4.1: 5 of 1,607,800 alleles (0.00031%); highest among the groups gnomAD compares: Admixed American, 0.0086%; no homozygotes.

Submission:

Labcorp Genetics (formerly Invitae), Labcorp
Classification: Uncertain significance. Last evaluated: 2022-03-12. Review status: criteria provided, single submitter. Criteria: Invitae Variant Classification Sherloc (09022015). Collection method: clinical testing. Allele origin: germline.
Comment: This sequence change replaces aspartic acid, which is acidic and polar, with tyrosine, which is neutral and polar, at codon 122 of the ATF6 protein (p.Asp122Tyr). This variant is present in population databases (no rsID available, gnomAD 0.009%). This variant has not been reported in the literature in individuals affected with ATF6-related conditions. Algorithms developed to predict the effect of missense changes on protein structure and function are either unavailable or do not agree on the potential impact of this missense change (SIFT: "Deleterious"; PolyPhen-2: "Probably Damaging"; Align-GVGD: "Class C0"). In summary, the available evidence is currently insufficient to determine the role of this variant in disease. Therefore, it has been classified as a Variant of Uncertain Significance.